The following is an entry in ClinVar:

NM_005271.5(GLUD1):c.1109G>A (p.Ser370Asn)

Gene: GLUD1 (glutamate dehydrogenase 1; minus strand). Cytogenetic location: 10q23.2.
Variant type: single nucleotide variant.
Coding change: c.1109G>A on transcript NM_005271.5 (MANE Select); coding-DNA position 1109, G replaced by A.
Protein change: p.Ser370Asn; replaces serine 370 with asparagine.
Molecular consequence: missense variant.
Genome position (GRCh38, 1-based): chr10:87,060,776, C>T on the plus strand (G>A on the coding strand, the complement: GLUD1 is on the minus strand). VCF-style: chr10-87060776-C-T. GRCh37 (hg19) VCF-style: chr10-88820533-C-T.
Other names: c.710G>A, p.Ser237Asn (NM_001318900.1); c.608G>A, p.Ser203Asn (NM_001318901.1, NM_001318902.1, NM_001318904.2 and 2 more transcripts); short protein forms S237N, S203N, S370N.
Identifiers: ClinVar variation 2218949 (VCV002218949.4), dbSNP rs770228279, ClinGen allele CA5587514.

ClinVar aggregate classification (germline): Uncertain significance. Review status: criteria provided, multiple submitters, no conflicts (2 of 4 stars). 2 submissions from 2 submitters: Uncertain significance (2). Last evaluated 2025-07-09.

Conditions:
Inborn genetic diseases. Identifiers: MedGen C0950123, MeSH D030342.
Hyperinsulinism-hyperammonemia syndrome (HHF6). Identifiers: Orphanet 35878, MedGen C1847555, MONDO:0011717, OMIM 606762.

Allele frequency attached by ClinVar (database versions not stated): ExAC 0.00001; gnomAD 0.00001; TOPMed 0.00001.
gnomAD v4.1: 17 of 1,614,090 alleles (0.0011%); highest among the groups gnomAD compares: African/African-American, 0.0013%; no homozygotes.

Submissions (2):

Labcorp Genetics (formerly Invitae), Labcorp
Classification: Uncertain significance for Hyperinsulinism-hyperammonemia syndrome. Last evaluated: 2025-07-09. Review status: criteria provided, single submitter. Criteria: Invitae Variant Classification Sherloc (09022015). Collection method: clinical testing. Allele origin: germline.
Comment: This sequence change replaces serine, which is neutral and polar, with asparagine, which is neutral and polar, at codon 370 of the GLUD1 protein (p.Ser370Asn). This variant is present in population databases (rs770228279, gnomAD 0.007%). This variant has not been reported in the literature in individuals affected with GLUD1-related conditions. ClinVar contains an entry for this variant (Variation ID: 2218949). Invitae Evidence Modeling of protein sequence and biophysical properties (such as structural, functional, and spatial information, amino acid conservation, physicochemical variation, residue mobility, and thermodynamic stability) indicates that this missense variant is not expected to disrupt GLUD1 protein function with a negative predictive value of 80%. In summary, the available evidence is currently insufficient to determine the role of this variant in disease. Therefore, it has been classified as a Variant of Uncertain Significance.

Ambry Genetics
Classification: Uncertain significance for Inborn genetic diseases. Last evaluated: 2025-03-18. Review status: criteria provided, single submitter. Criteria: Ambry Variant Classification Scheme 2023. Collection method: clinical testing. Allele origin: germline.